The following is an entry in ClinVar:

ClinVar aggregate classification (germline): Benign/Likely benign. Review status: criteria provided, multiple submitters, no conflicts (2 of 4 stars). 4 submissions from 4 submitters: Benign (1); Likely benign (1). 2 of the submissions do not count toward it. Last evaluated 2026-09-01.

Conditions:
KMT2C-related disorder. Also called: KMT2C-related condition; KMT2C-related disorders.

Allele frequency attached by ClinVar (database versions not stated): TOPMed 0.00139; ExAC 0.00213; gnomAD exomes 0.00249 and 0.00063; ESP Exome Variant Server 0.00008; gnomAD 0.00054 and 0.00070; 1000 Genomes Project 30x 0.00281; 1000 Genomes Project 0.00339.
gnomAD v4.1: 1,026 of 1,614,118 alleles (0.064%); highest among the groups gnomAD compares: East Asian, 1.1%; 11 homozygotes.

Submissions (4):

CeGaT Center for Human Genetics Tuebingen
Classification: Likely benign. Last evaluated: 2026-09-01. Review status: criteria provided, single submitter. Criteria: CeGaT Center For Human Genetics Tuebingen Variant Classification Criteria Version 2. Collection method: clinical testing. Allele origin: germline. Affected: yes. Observed: 11 variant alleles.
Comment: KMT2C: BP4, BS1

Labcorp Genetics (formerly Invitae), Labcorp
Classification: Benign. Last evaluated: 2026-01-19. Review status: criteria provided, single submitter. Criteria: Invitae Variant Classification Sherloc (09022015). Collection method: clinical testing. Allele origin: germline.

PreventionGenetics, part of Exact Sciences
Classification: Benign for KMT2C-related condition. Last evaluated: 2021-04-26. Review status: no assertion criteria provided. Collection method: clinical testing. Allele origin: germline. Not counted in ClinVar's aggregate classification.
Comment: This variant is classified as benign based on ACMG/AMP sequence variant interpretation guidelines (Richards et al. 2015 PMID: 25741868, with internal and published modifications).

ITMI
No classification provided. Condition: AllHighlyPenetrant. Last evaluated: 2013-09-19. Review status: no classification provided. Collection method: reference population. Allele origin: germline. Not counted in ClinVar's aggregate classification.
Comment: Please see associated publication for description of ethnicities

Literature cited by the submitters: PubMed 24728327 (cited by ITMI).

NM_170606.3(KMT2C):c.10639T>C (p.Ser3547Pro)

Gene: KMT2C (lysine methyltransferase 2C; minus strand). Cytogenetic location: 7q36.1.
Variant type: single nucleotide variant.
Coding change: c.10639T>C on transcript NM_170606.3 (MANE Select); coding-DNA position 10639, T replaced by C.
Protein change: p.Ser3547Pro; replaces serine 3547 with proline.
Molecular consequence: missense variant.
Genome position (GRCh38, 1-based): chr7:152,162,938, A>G on the plus strand (T>C on the coding strand, the complement: KMT2C is on the minus strand). VCF-style: chr7-152162938-A-G. GRCh37 (hg19) VCF-style: chr7-151860023-A-G.
Other names: short protein forms S3547P.
Identifiers: ClinVar variation 134802 (VCV000134802.35), dbSNP rs78004519, ClinGen allele CA160773.